The following is an entry in ClinVar:

NM_001366686.3(SIK3):c.3268C>T (p.Arg1090Cys)

Gene: SIK3 (SIK family kinase 3; minus strand). Cytogenetic location: 11q23.3.
Variant type: single nucleotide variant.
Coding change: c.3268C>T on transcript NM_001366686.3 (MANE Select); coding-DNA position 3268, C replaced by T.
Protein change: p.Arg1090Cys; replaces arginine 1090 with cysteine.
Molecular consequence: missense variant.
Genome position (GRCh38, 1-based): chr11:116,858,197, G>A on the plus strand (C>T on the coding strand, the complement: SIK3 is on the minus strand). VCF-style: chr11-116858197-G-A. GRCh37 (hg19) VCF-style: chr11-116728913-G-A.
Other names: c.2467C>T, p.Arg823Cys (NM_001281748.3); c.2944C>T, p.Arg982Cys (NM_001281749.3); c.3124C>T, p.Arg1042Cys (NM_025164.6); short protein forms R1090C, R1042C, R823C, R982C.
Identifiers: ClinVar variation 776662 (VCV000776662.7), dbSNP rs61738656, ClinGen allele CA6290194.

ClinVar aggregate classification (germline): Benign/Likely benign. Review status: criteria provided, multiple submitters, no conflicts (2 of 4 stars). 4 submissions from 4 submitters: Benign (2); Likely benign (1). 1 of the submissions does not count toward it. Last evaluated 2025-08-18.

Conditions:
SIK3-related disorder. Also called: SIK3-related condition.

Allele frequency attached by ClinVar (database versions not stated): gnomAD exomes 0.00269 and 0.00651; ExAC 0.00777; 1000 Genomes Project 0.02576; gnomAD 0.02607 and 0.02809; 1000 Genomes Project 30x 0.02717; TOPMed 0.02943; ESP Exome Variant Server 0.03048.
gnomAD v4.1: 8,014 of 1,614,080 alleles (0.5%); highest among the groups gnomAD compares: African/African-American, 9.2%; 288 homozygotes.

Submissions (4):

Genomic Medicine Center of Excellence, King Faisal Specialist Hospital and Research Centre
Classification: Likely benign. Last evaluated: 2025-08-18. Review status: criteria provided, single submitter. Criteria: ACMG Guidelines, 2015. Collection method: clinical testing. Allele origin: germline.

Labcorp Genetics (formerly Invitae), Labcorp
Classification: Benign. Last evaluated: 2018-05-30. Review status: criteria provided, single submitter. Criteria: Invitae Variant Classification Sherloc (09022015). Collection method: clinical testing. Allele origin: germline.

Breakthrough Genomics
Classification: Benign. Review status: criteria provided, single submitter. Criteria: ACMG Guidelines, 2015. Collection method: not provided. Allele origin: germline. Inheritance: Autosomal recessive inheritance. Affected: yes.

PreventionGenetics, part of Exact Sciences
Classification: Benign for SIK3-related condition. Last evaluated: 2019-02-21. Review status: no assertion criteria provided. Collection method: clinical testing. Allele origin: germline. Not counted in ClinVar's aggregate classification.
Comment: This variant is classified as benign based on ACMG/AMP sequence variant interpretation guidelines (Richards et al. 2015 PMID: 25741868, with internal and published modifications).